The following is an entry in ClinVar:

ClinVar aggregate classification (germline): Pathogenic (1 of 4 stars; one submission).

Conditions:
Duchenne muscular dystrophy (DMD). Also called: MUSCULAR DYSTROPHY, PSEUDOHYPERTROPHIC PROGRESSIVE, DUCHENNE TYPE; Duchenne Muscular Dystrophy (DMD). Identifiers: Orphanet 98896, MedGen C0013264, MONDO:0010679, OMIM 310200.

Submission:

Labcorp Genetics (formerly Invitae), Labcorp
Classification: Pathogenic for Duchenne muscular dystrophy. Last evaluated: 2022-03-08. Review status: criteria provided, single submitter. Criteria: Invitae Variant Classification Sherloc (09022015). Collection method: clinical testing. Allele origin: germline.
Comment: This variant is a gross deletion of the genomic region encompassing exon(s) 38-44 of the DMD gene. This variant would be expected to be in-frame, preserving the integrity of the reading frame. This variant has not been reported in the literature in individuals affected with DMD-related conditions. The region of the DMD gene that includes exon(s) 40 has been determined to be clinically significant (PMID: 21520333, 28116794). Therefore, deletions that encompass that region are likely to be disease-causing. For these reasons, this variant has been classified as Pathogenic.

Literature cited by the submitters: PubMed 21520333; PubMed 28116794.

NC_000023.10:g.(?_32235023)_(32366860_?)del

Gene: DMD (dystrophin; minus strand). Cytogenetic location: Xp21.1.
Variant type: Deletion.
Identifiers: ClinVar variation 1414805 (VCV001414805.7).